The following is an entry in ClinVar:

NM_174936.4(PCSK9):c.710G>A (p.Arg237Gln)

Gene: PCSK9 (proprotein convertase subtilisin/kexin type 9; plus strand). Cytogenetic location: 1p32.3.
Variant type: single nucleotide variant.
Coding change: c.710G>A on transcript NM_174936.4 (MANE Select); coding-DNA position 710, G replaced by A.
Protein change: p.Arg237Gln; replaces arginine 237 with glutamine.
Molecular consequence: missense variant.
Genome position (GRCh38, 1-based): chr1:55,052,702, G>A. VCF-style: chr1-55052702-G-A. GRCh37 (hg19) VCF-style: chr1-55518375-G-A.
Other names: c.833G>A, p.Arg278Gln (NM_001407240.1); c.710G>A, p.Arg237Gln (NM_001407241.1, NM_001407244.1, NM_001407247.1); c.713G>A, p.Arg238Gln (NM_001407242.1); c.653G>A, p.Arg218Gln (NM_001407243.1); c.518G>A, p.Arg173Gln (NM_001407245.1); c.335G>A, p.Arg112Gln (NM_001407246.1); short protein forms R237Q, R112Q, R218Q, R173Q, R238Q, R278Q.
Identifiers: ClinVar variation 926529 (VCV000926529.12), dbSNP rs758109994, ClinGen allele CA044087.

ClinVar aggregate classification (germline): Uncertain significance. Review status: criteria provided, multiple submitters, no conflicts (2 of 4 stars). 5 submissions from 5 submitters: Uncertain significance (5). Last evaluated 2025-02-15.

Conditions:
Familial hypercholesterolemia. Also called: Familial hypercholesterolaemia; Familial hypercholesterolemias. Identifiers: MedGen C0020445, MONDO:0005439.
Cardiovascular phenotype. Identifiers: MedGen CN230736.
Hypercholesterolemia, autosomal dominant, 3 (FHCL3). Also called: PCSK9-Related Familial Hypercholesterolemia, Autosomal Dominant; Familial hypercholesterolemia 3; Familial Hypercholesterolemia, Autosomal Dominant, 3. Identifiers: MedGen C1863551, MONDO:0011369, OMIM 603776.

Allele frequency attached by ClinVar (database versions not stated): TOPMed below 0.00001; ExAC 0.00001; gnomAD 0.00001; gnomAD exomes 0.00001.
gnomAD v4.1: 7 of 1,613,034 alleles (0.00043%); highest among the groups gnomAD compares: Non-Finnish European, 0.00025%; no homozygotes.

Submissions (5):

Ambry Genetics
Classification: Uncertain significance for Cardiovascular phenotype. Last evaluated: 2025-02-15. Review status: criteria provided, single submitter. Criteria: Ambry Variant Classification Scheme 2023. Collection method: clinical testing. Allele origin: germline.
Comment: The p.R237Q variant (also known as c.710G>A), located in coding exon 5 of the PCSK9 gene, results from a G to A substitution at nucleotide position 710. The arginine at codon 237 is replaced by glutamine, an amino acid with highly similar properties. This amino acid position is conserved. In addition, this alteration is predicted to be tolerated by in silico analysis. Based on the available evidence, the clinical significance of this variant remains unclear.

Labcorp Genetics (formerly Invitae), Labcorp
Classification: Uncertain significance for Hypercholesterolemia, autosomal dominant, 3. Last evaluated: 2024-10-05. Review status: criteria provided, single submitter. Criteria: Invitae Variant Classification Sherloc (09022015). Collection method: clinical testing. Allele origin: germline.
Comment: This sequence change replaces arginine, which is basic and polar, with glutamine, which is neutral and polar, at codon 237 of the PCSK9 protein (p.Arg237Gln). This variant is present in population databases (rs758109994, gnomAD 0.01%). This variant has not been reported in the literature in individuals affected with PCSK9-related conditions. ClinVar contains an entry for this variant (Variation ID: 926529). Invitae Evidence Modeling of protein sequence and biophysical properties (such as structural, functional, and spatial information, amino acid conservation, physicochemical variation, residue mobility, and thermodynamic stability) indicates that this missense variant is not expected to disrupt PCSK9 protein function with a negative predictive value of 80%. In summary, the available evidence is currently insufficient to determine the role of this variant in disease. Therefore, it has been classified as a Variant of Uncertain Significance.

Quest Diagnostics Nichols Institute San Juan Capistrano
Classification: Uncertain significance. Last evaluated: 2024-07-29. Review status: criteria provided, single submitter. Criteria: Quest Diagnostics criteria. Collection method: clinical testing. Allele origin: unknown.
Comment: The PCSK9 c.710G>A (p.Arg237Gln) variant has not been reported in individuals with PCSK9-related conditions in the published literature. The frequency of this variant in the general population, 0.000008 (2/249186 chromosomes (Genome Aggregation Database)), is uninformative in the assessment of its pathogenicity. Analysis of this variant using bioinformatics tools for the prediction of the effect of amino acid changes on protein structure and function yielded conflicting predictions that this variant is benign or damaging. Based on the available information, we are unable to determine the clinical significance of this variant.

Color Diagnostics, LLC DBA Color Health
Classification: Uncertain significance for Familial hypercholesterolemia. Last evaluated: 2024-03-07. Review status: criteria provided, single submitter. Criteria: ACMG Guidelines, 2015. Collection method: clinical testing. Allele origin: germline.
Comment: This missense variant replaces arginine with glutamine at codon 237 of the PCSK9 protein. Computational prediction tools indicate that this variant has a neutral impact on protein structure and function. To our knowledge, functional studies have not been reported for this variant. This variant has not been reported in individuals affected with PCSK9-related disorders in the literature. This variant has been identified in 2/249186 chromosomes in the general population by the Genome Aggregation Database (gnomAD). The available evidence is insufficient to determine the role of this variant in disease conclusively. Therefore, this variant is classified as a Variant of Uncertain Significance.

All of Us Research Program, National Institutes of Health
Classification: Uncertain significance for Hypercholesterolemia, autosomal dominant, 3. Last evaluated: 2023-11-20. Review status: criteria provided, single submitter. Criteria: ACMG Guidelines, 2015. Collection method: clinical testing. Allele origin: germline. Inheritance: Autosomal dominant inheritance. Observed: 1 variant allele, 1 heterozygote.
Comment: This missense variant replaces arginine with glutamine at codon 237 of the PCSK9 protein. Computational prediction suggests that this variant may not impact protein structure and function (internally defined REVEL score threshold <= 0.5, PMID: 27666373). Splice site prediction tools suggest that this variant may not impact RNA splicing. To our knowledge, functional studies have not been performed for this variant. This variant has not been reported in individuals affected with familial hypercholesterolemia in the literature. This variant has been identified in 2/249186 chromosomes in the general population by the Genome Aggregation Database (gnomAD). The available evidence is insufficient to determine the role of this variant in disease conclusively. Therefore, this variant is classified as a Variant of Uncertain Significance.

This study involves interpretation of variants in research participants for the purpose of population health screening. Participant phenotype was not available at the time of variant classification. Additional details can be found in publication PMID: 35346344, PMCID: PMC8962531